The following is an entry in ClinVar:

ClinVar aggregate classification (germline): Uncertain significance. Review status: criteria provided, multiple submitters, no conflicts (2 of 4 stars). 2 submissions from 2 submitters: Uncertain significance (2). Last evaluated 2022-10-29.

Conditions:
Spastic paraplegia. Identifiers: MedGen C0037772, HP:0001258.

Submissions (2):

Labcorp Genetics (formerly Invitae), Labcorp
Classification: Uncertain significance for Spastic paraplegia. Last evaluated: 2022-10-29. Review status: criteria provided, single submitter. Criteria: Invitae Variant Classification Sherloc (09022015). Collection method: clinical testing. Allele origin: germline.
Comment: In summary, the available evidence is currently insufficient to determine the role of this variant in disease. Therefore, it has been classified as a Variant of Uncertain Significance. Algorithms developed to predict the effect of missense changes on protein structure and function (SIFT, PolyPhen-2, Align-GVGD) all suggest that this variant is likely to be disruptive. This variant has not been reported in the literature in individuals affected with GJC2-related conditions. This variant is not present in population databases (gnomAD no frequency). This sequence change replaces leucine, which is neutral and non-polar, with proline, which is neutral and non-polar, at codon 277 of the GJC2 protein (p.Leu277Pro).

Revvity Omics, Revvity
Classification: Uncertain significance. Last evaluated: 2021-11-24. Review status: criteria provided, single submitter. Criteria: ACMG Guidelines, 2015. Collection method: clinical testing. Allele origin: germline.

NM_020435.4(GJC2):c.830T>C (p.Leu277Pro)

Gene: GJC2 (gap junction protein gamma 2; plus strand). Cytogenetic location: 1q42.13.
Variant type: single nucleotide variant.
Coding change: c.830T>C on transcript NM_020435.4 (MANE Select); coding-DNA position 830, T replaced by C.
Protein change: p.Leu277Pro; replaces leucine 277 with proline.
Molecular consequence: missense variant.
Genome position (GRCh38, 1-based): chr1:228,158,588, T>C. VCF-style: chr1-228158588-T-C. GRCh37 (hg19) VCF-style: chr1-228346289-T-C.
Other names: short protein forms L277P.
Identifiers: ClinVar variation 2432124 (VCV002432124.6), dbSNP rs2527877237, ClinGen allele CA345099611.
Genomic context (GRCh38, chr1:228,158,588, plus strand): 5'-TCGTGTCGCGCCCTACTGAAAAGACGGTCTTCCTGCTGGTTATGTACGTGGTCAGCTGCC[T>C]GTGCCTGCTGCTCAACCTCTGTGAGATGGCCCACCTGGGCTTGGGCAGCGCGCAGGACGC-3'
Protein context (NP_065168.2, residues 267-287): FLLVMYVVSC[Leu277Pro]CLLLNLCEMA